The following is an entry in ClinVar:

NM_000091.5(COL4A3):c.3955+10T>C

Genes: COL4A3 (collagen type IV alpha 3 chain; plus strand), MFF-DT (MFF divergent transcript; minus strand). Cytogenetic location: 2q36.3.
Variant type: single nucleotide variant.
Coding change: c.3955+10T>C on transcript NM_000091.5 (MANE Select); 10 bases into the intron after coding-DNA position 3955, T replaced by C.
Molecular consequence: intron variant.
Genome position (GRCh38, 1-based): chr2:227,303,120, T>C. VCF-style: chr2-227303120-T-C. GRCh37 (hg19) VCF-style: chr2-228167836-T-C.
Other names: c.3955+10T>C (NM_000091.4).
Identifiers: ClinVar variation 1538115 (VCV001538115.9), dbSNP rs2106267659, ClinGen allele CA2573135473.

ClinVar aggregate classification (germline): Likely benign. Review status: criteria provided, multiple submitters, no conflicts (2 of 4 stars). 2 submissions from 2 submitters: Likely benign (2). Last evaluated 2025-04-24.

Conditions:
COL4A3-related disorder. Also called: COL4A3-Related Disorders; COL4A3-related condition.

Submissions (2):

PreventionGenetics, part of Exact Sciences
Classification: Likely benign for COL4A3-related condition. Last evaluated: 2025-04-24. Review status: criteria provided, single submitter. Criteria: ACMG Guidelines, 2015. Collection method: clinical testing. Allele origin: germline.
Comment: This variant is classified as likely benign based on ACMG/AMP sequence variant interpretation guidelines (Richards et al. 2015 PMID: 25741868, with internal and published modifications).

Labcorp Genetics (formerly Invitae), Labcorp
Classification: Likely benign. Last evaluated: 2023-03-17. Review status: criteria provided, single submitter. Criteria: Invitae Variant Classification Sherloc (09022015). Collection method: clinical testing. Allele origin: germline.